The following is an entry in ClinVar:

NM_001267550.2(TTN):c.105689C>T (p.Ser35230Leu)

Genes: TTN-AS1 (TTN antisense RNA 1; plus strand), TTN (titin; minus strand), LOC129935183 (ATAC-STARR-seq lymphoblastoid active region 16808; plus strand). Cytogenetic location: 2q31.2.
Variant type: single nucleotide variant.
Coding change: c.105689C>T on transcript NM_001267550.2 (MANE Select); coding-DNA position 105689, C replaced by T.
Protein change: p.Ser35230Leu; replaces serine 35230 with leucine.
Molecular consequence: missense variant.
Genome position (GRCh38, 1-based): chr2:178,530,926, G>A on the plus strand (C>T on the coding strand, the complement: TTN is on the minus strand). VCF-style: chr2-178530926-G-A. GRCh37 (hg19) VCF-style: chr2-179395653-G-A.
Other names: c.100766C>T, p.Ser33589Leu (NM_001256850.1); c.78494C>T, p.Ser26165Leu (NM_003319.4); c.97985C>T, p.Ser32662Leu (NM_133378.4); c.78869C>T, p.Ser26290Leu (NM_133432.3); c.79070C>T, p.Ser26357Leu (NM_133437.4); short protein forms S26290L, S33589L, S26165L, S32662L, S26357L, S35230L.
Identifiers: ClinVar variation 2146187 (VCV002146187.4), dbSNP rs1335754723, ClinGen allele CA349408089.

ClinVar aggregate classification (germline): Uncertain significance (1 of 4 stars; one submission).

Conditions:
Autosomal recessive limb-girdle muscular dystrophy type 2J (LGMDR10). Also called: Limb-girdle muscular dystrophy, type 2J; MUSCULAR DYSTROPHY, LIMB-GIRDLE, AUTOSOMAL RECESSIVE 10. Identifiers: Orphanet 140922, MedGen C1837342, MONDO:0012127, OMIM 608807.
Dilated cardiomyopathy 1G (CMD1G). Identifiers: Orphanet 154, MedGen C1858763, MONDO:0011400, OMIM 604145.

Allele frequency attached by ClinVar (database versions not stated): gnomAD exomes below 0.00001; gnomAD 0.00001; TOPMed 0.00001.
gnomAD v4.1: 2 of 1,613,870 alleles (0.00012%); highest among the groups gnomAD compares: Non-Finnish European, 0.00017%; no homozygotes.

Submission:

Labcorp Genetics (formerly Invitae), Labcorp
Classification: Uncertain significance for Dilated cardiomyopathy 1G; Autosomal recessive limb-girdle muscular dystrophy type 2J. Last evaluated: 2022-04-20. Review status: criteria provided, single submitter. Criteria: Invitae Variant Classification Sherloc (09022015). Collection method: clinical testing. Allele origin: germline.
Comment: This sequence change replaces serine, which is neutral and polar, with leucine, which is neutral and non-polar, at codon 35230 of the TTN protein (p.Ser35230Leu). This variant is not present in population databases (gnomAD no frequency). This variant is located in the M band of TTN (PMID: 25589632). Variants in this region may be relevant for neuromuscular disorders, but have not been definitively shown to cause cardiomyopathy (PMID: 23975875). In summary, the available evidence is currently insufficient to determine the role of this variant in disease. Therefore, it has been classified as a Variant of Uncertain Significance. Experimental studies and prediction algorithms are not available or were not evaluated, and the functional significance of this variant is currently unknown. This variant has not been reported in the literature in individuals affected with TTN-related conditions.

Literature cited by the submitters: PubMed 25589632; PubMed 23975875.